The following is an entry in ClinVar:

NM_000051.4(ATM):c.2707_2709delinsGTA (p.Phe903Val)

Gene: ATM (ATM serine/threonine kinase; plus strand). Cytogenetic location: 11q22.3.
Variant type: Indel.
Coding change: c.2707_2709delinsGTA on transcript NM_000051.4 (MANE Select); coding-DNA positions 2707 to 2709, TTC replaced by GTA.
Protein change: p.Phe903Val; replaces phenylalanine 903 with valine.
Molecular consequence: missense variant.
Genome position (GRCh38, 1-based): chr11:108,268,478-108,268,480, TTC replaced by GTA. VCF-style: chr11-108268478-TTC-GTA. GRCh37 (hg19) VCF-style: chr11-108139205-TTC-GTA.
Other names: c.2707_2709delTTCinsGTA, p.Phe903Val (NM_000051.3); c.2707_2709delinsGTA, p.Phe903Val (NM_001351834.2); short protein forms F903V.
Identifiers: ClinVar variation 3384267 (VCV003384267.1).

ClinVar aggregate classification (germline): Uncertain significance (1 of 4 stars; one submission).

Submission:

GeneDx
Classification: Uncertain significance. Last evaluated: 2024-06-05. Review status: criteria provided, single submitter. Criteria: GeneDx Variant Classification Process June 2021. Collection method: clinical testing. Allele origin: germline. Affected: yes.
Comment: Not observed at significant frequency in large population cohorts (gnomAD); In silico analysis supports a deleterious effect on protein structure/function; Has not been previously published as pathogenic or benign to our knowledge; In silico analysis suggests this variant may impact gene splicing. In the absence of RNA/functional studies, the actual effect of this sequence change is unknown.